The following is an entry in ClinVar:

ClinVar aggregate classification (germline): Likely pathogenic. Review status: criteria provided, multiple submitters, no conflicts (2 of 4 stars). 2 submissions from 2 submitters: Likely pathogenic (2). Last evaluated 2024-10-18.

Conditions:
Dilated cardiomyopathy 1G (CMD1G). Identifiers: Orphanet 154, MedGen C1858763, MONDO:0011400, OMIM 604145.
Autosomal recessive limb-girdle muscular dystrophy type 2J (LGMDR10). Also called: Limb-girdle muscular dystrophy, type 2J; MUSCULAR DYSTROPHY, LIMB-GIRDLE, AUTOSOMAL RECESSIVE 10. Identifiers: Orphanet 140922, MedGen C1837342, MONDO:0012127, OMIM 608807.
Early-onset myopathy with fatal cardiomyopathy (CMYO5). Also called: CONGENITAL MYOPATHY 5 WITH CARDIOMYOPATHY; Salih Myopathy. Identifiers: Orphanet 289377, MedGen C2673677, MONDO:0012714, OMIM 611705. Disease mechanism: loss of function.

Allele frequency attached by ClinVar (database versions not stated): gnomAD exomes below 0.00001; ExAC 0.00001.

Submissions (2):

Labcorp Genetics (formerly Invitae), Labcorp
Classification: Likely pathogenic for Dilated cardiomyopathy 1G; Autosomal recessive limb-girdle muscular dystrophy type 2J. Last evaluated: 2024-10-18. Review status: criteria provided, single submitter. Criteria: Invitae Variant Classification Sherloc (09022015). Collection method: clinical testing. Allele origin: germline.
Comment: This sequence change affects a donor splice site in intron 22 of the TTN gene. It is expected to disrupt RNA splicing and likely results in a truncated or disrupted TTN protein. This variant is present in population databases (rs781562337, gnomAD 0.0009%). Disruption of this splice site has been observed in individual(s) with centronuclear myopathy (internal data). ClinVar contains an entry for this variant (Variation ID: 943674). Algorithms developed to predict the effect of sequence changes on RNA splicing suggest that this variant may disrupt the consensus splice site. This variant is located in the Z band of TTN (PMID: 25589632). Truncating variants in this region have been reported in individuals affected with autosomal recessive centronuclear myopathy (PMID: 33449170, internal data). Truncating variants in this region have also been identified in individuals affected with autosomal dominant dilated cardiomyopathy and/or cardio-related conditions (PMID: 27869827, 32964742, internal data). In summary, the currently available evidence indicates that the variant is pathogenic, but additional data are needed to prove that conclusively. Therefore, this variant has been classified as Likely Pathogenic.

Laboratory of Medical Genetics Unit, Bambino Gesù Children's Hospital
Classification: Likely pathogenic for Early-onset myopathy with fatal cardiomyopathy. Review status: criteria provided, single submitter. Criteria: ACMG Guidelines, 2015. Collection method: clinical testing. Allele origin: maternal. Inheritance: Autosomal recessive inheritance. Affected: yes. Observed: 1 compound heterozygote.

Literature cited by the submitters: PubMed 25589632 (cited by Labcorp Genetics (formerly Invitae), Labcorp); PubMed 33449170 (cited by Labcorp Genetics (formerly Invitae), Labcorp); PubMed 27869827 (cited by Labcorp Genetics (formerly Invitae), Labcorp); PubMed 32964742 (cited by Labcorp Genetics (formerly Invitae), Labcorp).

NM_001267550.2(TTN):c.3729+1G>A

Gene: TTN (titin; minus strand). Cytogenetic location: 2q31.2.
Variant type: single nucleotide variant.
Coding change: c.3729+1G>A on transcript NM_001267550.2 (MANE Select); the canonical splice donor site of the intron after coding-DNA position 3729, G replaced by A.
Molecular consequence: splice donor variant.
Genome position (GRCh38, 1-based): chr2:178,779,999, C>T on the plus strand (G>A on the coding strand, the complement: TTN is on the minus strand). VCF-style: chr2-178779999-C-T. GRCh37 (hg19) VCF-style: chr2-179644726-C-T.
Other names: c.3591+1G>A (NM_003319.4, NM_133437.4, NM_133432.3); c.3729+1G>A (NM_133378.4, NM_001256850.1, NM_133379.5).
Identifiers: ClinVar variation 943674 (VCV000943674.11), dbSNP rs781562337, ClinGen allele CA2005494.